The following is an entry in ClinVar:

ClinVar aggregate classification (germline): Uncertain significance. Review status: criteria provided, multiple submitters, no conflicts (2 of 4 stars). 2 submissions from 2 submitters: Uncertain significance (2). Last evaluated 2026-05-18.

Conditions:
Joubert syndrome. Also called: JOUBERT-BOLTSHAUSER SYNDROME; Familial aplasia of the vermis. Identifiers: Orphanet 475, MedGen C5979921, MONDO:0018772.
Meckel-Gruber syndrome. Also called: DYSENCEPHALIA SPLANCHNOCYSTICA; GRUBER SYNDROME; Dysencephalia splachnocystica. Identifiers: Orphanet 564, MedGen C0265215, MONDO:0018921.
RPGRIP1L-related disorder. Also called: RPGRIP1L-related condition; RPGRIP1L-related disorders. Identifiers: MedGen CN239416.

Allele frequency attached by ClinVar (database versions not stated): gnomAD 0.00001.
gnomAD v4.1: 3 of 1,613,794 alleles (0.00019%); highest among the groups gnomAD compares: Admixed American, 0.005%; no homozygotes.

Submissions (2):

PreventionGenetics, part of Exact Sciences
Classification: Uncertain significance for RPGRIP1L-related condition. Last evaluated: 2026-05-18. Review status: criteria provided, single submitter. Criteria: ACMG Guidelines, 2015. Collection method: clinical testing. Allele origin: germline.
Comment: The RPGRIP1L c.490G>A variant is predicted to result in the amino acid substitution p.Ala164Thr. To our knowledge, this variant has not been reported in the literature. This variant is reported in 0.0085% of alleles in individuals of Latino descent in gnomAD. At this time, the clinical significance of this variant is uncertain due to the absence of conclusive functional and genetic evidence.

Labcorp Genetics (formerly Invitae), Labcorp
Classification: Uncertain significance for Joubert syndrome; Meckel-Gruber syndrome. Last evaluated: 2022-06-24. Review status: criteria provided, single submitter. Criteria: Invitae Variant Classification Sherloc (09022015). Collection method: clinical testing. Allele origin: germline.
Comment: This sequence change replaces alanine, which is neutral and non-polar, with threonine, which is neutral and polar, at codon 164 of the RPGRIP1L protein (p.Ala164Thr). This variant is present in population databases (no rsID available, gnomAD 0.009%). This variant has not been reported in the literature in individuals affected with RPGRIP1L-related conditions. Algorithms developed to predict the effect of missense changes on protein structure and function output the following: SIFT: "Tolerated"; PolyPhen-2: "Benign"; Align-GVGD: "Class C0". The threonine amino acid residue is found in multiple mammalian species, which suggests that this missense change does not adversely affect protein function. In summary, the available evidence is currently insufficient to determine the role of this variant in disease. Therefore, it has been classified as a Variant of Uncertain Significance.

NM_015272.5(RPGRIP1L):c.490G>A (p.Ala164Thr)

Gene: RPGRIP1L (RPGRIP1 like; minus strand). Cytogenetic location: 16q12.2.
Variant type: single nucleotide variant.
Coding change: c.490G>A on transcript NM_015272.5 (MANE Select); coding-DNA position 490, G replaced by A.
Protein change: p.Ala164Thr; replaces alanine 164 with threonine.
Molecular consequence: missense variant.
Genome position (GRCh38, 1-based): chr16:53,692,105, C>T on the plus strand (G>A on the coding strand, the complement: RPGRIP1L is on the minus strand). VCF-style: chr16-53692105-C-T. GRCh37 (hg19) VCF-style: chr16-53726017-C-T.
Other names: c.490G>A (NM_015272.4); c.490G>A, p.Ala164Thr (NM_001127897.4, NM_001308334.3, NM_001330538.2); short protein forms A164T.
Identifiers: ClinVar variation 1919140 (VCV001919140.3), dbSNP rs1327679496, ClinGen allele CA395924697.